The following is an entry in ClinVar:

NM_000053.4(ATP7B):c.2719C>A (p.Gln907Lys)

Gene: ATP7B (ATPase copper transporting beta; minus strand). Cytogenetic location: 13q14.3.
Variant type: single nucleotide variant.
Coding change: c.2719C>A on transcript NM_000053.4 (MANE Select); coding-DNA position 2719, C replaced by A.
Protein change: p.Gln907Lys; replaces glutamine 907 with lysine.
Molecular consequence: missense variant.
Genome position (GRCh38, 1-based): chr13:51,950,018, G>T on the plus strand (C>A on the coding strand, the complement: ATP7B is on the minus strand). VCF-style: chr13-51950018-G-T. GRCh37 (hg19) VCF-style: chr13-52524154-G-T.
Other names: c.2233C>A, p.Gln745Lys (NM_001005918.3, NM_001406546.1, NM_001406541.1 and 1 more transcripts); c.2386C>A, p.Gln796Lys (NM_001243182.2); c.2485C>A, p.Gln829Lys (NM_001330578.2, NM_001406527.1, NM_001406528.1 and 2 more transcripts); c.2467C>A, p.Gln823Lys (NM_001330579.2, NM_001406531.1, NM_001406532.1 and 1 more transcripts); c.2719C>A, p.Gln907Lys (NM_001406511.1, NM_001406512.1, NM_001406513.1 and 7 more transcripts); c.2686C>A, p.Gln896Lys (NM_001406514.1); c.2623C>A, p.Gln875Lys (NM_001406517.1, NM_001406518.1); c.2575C>A, p.Gln859Lys (NM_001406520.1, NM_001406521.1, NM_001406522.1 and 1 more transcripts); and 8 more; short protein forms Q477K, Q691K, Q713K, Q745K, Q764K, Q791K, Q796K, Q797K.
Identifiers: ClinVar variation 3074616 (VCV003074616.1), dbSNP rs757595812, ClinGen allele CA388034123.

ClinVar aggregate classification (germline): Uncertain significance (1 of 4 stars; one submission).

Conditions:
Wilson disease (WND). Also called: Wilson's disease. Identifiers: Orphanet 905, MedGen C0019202, MONDO:0010200, OMIM 277900. Disease mechanism: loss of function.

Submission:

All of Us Research Program, National Institutes of Health
Classification: Uncertain significance for Wilson disease. Last evaluated: 2023-11-20. Review status: criteria provided, single submitter. Criteria: ACMG Guidelines, 2015. Collection method: clinical testing. Allele origin: germline. Inheritance: Autosomal recessive inheritance. Observed: 1 variant allele, 1 heterozygote.
Comment: This missense variant replaces glutamine with lysine at codon 907 of the ATP7B protein. Computational prediction suggests that this variant may have deleterious impact on protein structure and function (internally defined REVEL score threshold >= 0.7, PMID: 27666373). To our knowledge, functional studies have not been reported for this variant. This variant has not been reported in individuals affected with ATP7B-related disorders in the literature. This variant has not been identified in the general population by the Genome Aggregation Database (gnomAD). The available evidence is insufficient to determine the role of this variant in disease conclusively. Therefore, this variant is classified as a Variant of Uncertain Significance.

This study involves interpretation of variants in research participants for the purpose of population health screening. Participant phenotype was not available at the time of variant classification. Additional details can be found in publication PMID: 35346344, PMCID: PMC8962531